The following is an entry in ClinVar:

ClinVar aggregate classification (germline): Uncertain significance (1 of 4 stars; one submission).

Submission:

Labcorp Genetics (formerly Invitae), Labcorp
Classification: Uncertain significance. Last evaluated: 2022-12-31. Review status: criteria provided, single submitter. Criteria: Invitae Variant Classification Sherloc (09022015). Collection method: clinical testing. Allele origin: germline.
Comment: In summary, the available evidence is currently insufficient to determine the role of this variant in disease. Therefore, it has been classified as a Variant of Uncertain Significance. Advanced modeling of protein sequence and biophysical properties (such as structural, functional, and spatial information, amino acid conservation, physicochemical variation, residue mobility, and thermodynamic stability) performed at Invitae indicates that this missense variant is expected to disrupt SIX5 protein function. This variant has not been reported in the literature in individuals affected with SIX5-related conditions. This variant is not present in population databases (gnomAD no frequency). This sequence change replaces aspartic acid, which is acidic and polar, with glutamic acid, which is acidic and polar, at codon 278 of the SIX5 protein (p.Asp278Glu).

NM_175875.5(SIX5):c.834C>G (p.Asp278Glu)

Genes: SIX5 (SIX homeobox 5; minus strand), LOC107075317 (origin of replication in DMPK trinucleotide repeat region; plus strand). Cytogenetic location: 19q13.32.
Variant type: single nucleotide variant.
Coding change: c.834C>G on transcript NM_175875.5 (MANE Select); coding-DNA position 834, C replaced by G.
Protein change: p.Asp278Glu; replaces aspartic acid 278 with glutamic acid.
Molecular consequence: missense variant.
Genome position (GRCh38, 1-based): chr19:45,767,125, G>C on the plus strand (C>G on the coding strand, the complement: SIX5 is on the minus strand). VCF-style: chr19-45767125-G-C. GRCh37 (hg19) VCF-style: chr19-46270383-G-C.
Other names: short protein forms D278E.
Identifiers: ClinVar variation 2852405 (VCV002852405.3), dbSNP rs376711015, ClinGen allele CA406421367.